The following is an entry in ClinVar:

ClinVar aggregate classification (germline): Likely benign (0 of 4 stars; one submission).

Conditions:
CIBAR1-related disorder. Also called: CIBAR1-related condition.

Allele frequency attached by ClinVar (database versions not stated): ExAC 0.00053; ESP Exome Variant Server 0.00159; gnomAD 0.00171; 1000 Genomes Project 30x 0.00250; 1000 Genomes Project 0.00260.
gnomAD v4.1: 478 of 1,613,716 alleles (0.03%); highest among the groups gnomAD compares: African/African-American, 0.57%; no homozygotes.

Submission:

PreventionGenetics, part of Exact Sciences
Classification: Likely benign for CIBAR1-related condition. Last evaluated: 2019-12-24. Review status: no assertion criteria provided. Collection method: clinical testing. Allele origin: germline.
Comment: This variant is classified as likely benign based on ACMG/AMP sequence variant interpretation guidelines (Richards et al. 2015 PMID: 25741868, with internal and published modifications).

NM_145269.5(CIBAR1):c.707T>G (p.Ile236Ser)

Gene: CIBAR1 (CBY1 interacting BAR domain containing 1; plus strand). Cytogenetic location: 8q22.1.
Variant type: single nucleotide variant.
Coding change: c.707T>G on transcript NM_145269.5 (MANE Select); coding-DNA position 707, T replaced by G.
Protein change: p.Ile236Ser; replaces isoleucine 236 with serine.
Molecular consequence: missense variant. On other transcripts: non-coding transcript variant (5).
Genome position (GRCh38, 1-based): chr8:93,726,443, T>G. VCF-style: chr8-93726443-T-G. GRCh37 (hg19) VCF-style: chr8-94738671-T-G.
Other names: c.593T>G, p.Ile198Ser (NM_001283034.2); short protein forms I198S, I236S.
Identifiers: ClinVar variation 3036032 (VCV003036032.2), dbSNP rs148804292, ClinGen allele CA4806743.